The following is an entry in ClinVar:

NM_030665.4(RAI1):c.318C>A (p.Ser106Arg)

Gene: RAI1 (retinoic acid induced 1; plus strand). Cytogenetic location: 17p11.2.
Variant type: single nucleotide variant.
Coding change: c.318C>A on transcript NM_030665.4 (MANE Select); coding-DNA position 318, C replaced by A.
Protein change: p.Ser106Arg; replaces serine 106 with arginine.
Molecular consequence: missense variant.
Genome position (GRCh38, 1-based): chr17:17,793,266, C>A. VCF-style: chr17-17793266-C-A. GRCh37 (hg19) VCF-style: chr17-17696580-C-A.
Other names: short protein forms S106R.
Identifiers: ClinVar variation 4540301 (VCV004540301.1).

ClinVar aggregate classification (germline): Uncertain significance (1 of 4 stars; one submission).

Submission:

GeneDx
Classification: Uncertain significance. Last evaluated: 2025-06-25. Review status: criteria provided, single submitter. Criteria: GeneDx Variant Classification Process June 2021. Collection method: clinical testing. Allele origin: germline. Affected: yes.
Comment: Not observed at significant frequency in large population cohorts (gnomAD); In silico analysis supports that this missense variant has a deleterious effect on protein structure/function; Has not been previously published as pathogenic or benign to our knowledge